The following is an entry in ClinVar:

NM_002230.4(JUP):c.529C>T (p.Arg177Trp)

Gene: JUP (junction plakoglobin; minus strand). Cytogenetic location: 17q21.2.
Variant type: single nucleotide variant.
Coding change: c.529C>T on transcript NM_002230.4 (MANE Select); coding-DNA position 529, C replaced by T.
Protein change: p.Arg177Trp; replaces arginine 177 with tryptophan.
Molecular consequence: missense variant.
Genome position (GRCh38, 1-based): chr17:41,769,147, G>A on the plus strand (C>T on the coding strand, the complement: JUP is on the minus strand). VCF-style: chr17-41769147-G-A. GRCh37 (hg19) VCF-style: chr17-39925399-G-A.
Other names: p.R177W:CGG>TGG; c.529C>T (NM_021991.2); c.529C>T, p.Arg177Trp (NM_001352773.2, NM_001352774.2, NM_001352775.2 and 3 more transcripts); short protein forms R177W.
Identifiers: ClinVar variation 201813 (VCV000201813.16), dbSNP rs148484473, ClinGen allele CA308471.

ClinVar aggregate classification (germline): Conflicting classifications of pathogenicity. Review status: criteria provided, conflicting classifications (1 of 4 stars). 6 submissions from 6 submitters: Uncertain significance (3); Likely benign (2). 1 of the submissions does not count toward it. Last evaluated 2025-01-28.

Conditions:
Cardiovascular phenotype. Identifiers: MedGen CN230736.
JUP-related disorder. Also called: JUP-related condition.
Arrhythmogenic right ventricular dysplasia 12. Also called: ARRHYTHMOGENIC RIGHT VENTRICULAR DYSPLASIA, FAMILIAL, 12. Identifiers: MedGen C1969081, MONDO:0012684, OMIM 611528.
Naxos disease (NXD). Also called: WOOLLY HAIR, PALMOPLANTAR KERATODERMA, AND CARDIAC ABNORMALITIES; KERATOSIS PALMOPLANTARIS WITH ARRHYTHMOGENIC CARDIOMYOPATHY; MAL DE NAXOS; PALMOPLANTAR KERATODERMA WITH ARRHYTHMOGENIC RIGHT VENTRICULAR CARDIOMYOPATHY AND WOOLLY HAIR; CARDIOMYOPATHY, ARRHYTHMOGENIC RIGHT VENTRICULAR, WITH SKIN, HAIR, AND NAIL ABNORMALITIES. Identifiers: Orphanet 34217, MedGen C1832600, MONDO:0011017, OMIM 601214.

Allele frequency attached by ClinVar (database versions not stated): ExAC 0.00005; gnomAD exomes 0.00007; TOPMed 0.00008; ESP Exome Variant Server 0.00015.
gnomAD v4.1: 170 of 1,607,056 alleles (0.011%); highest among the groups gnomAD compares: Non-Finnish European, 0.013%; no homozygotes.

Submissions (6):

Labcorp Genetics (formerly Invitae), Labcorp
Classification: Uncertain significance for Arrhythmogenic right ventricular dysplasia 12; Naxos disease. Last evaluated: 2025-01-28. Review status: criteria provided, single submitter. Criteria: Invitae Variant Classification Sherloc (09022015). Collection method: clinical testing. Allele origin: germline.
Comment: This sequence change replaces arginine, which is basic and polar, with tryptophan, which is neutral and slightly polar, at codon 177 of the JUP protein (p.Arg177Trp). This variant is present in population databases (rs148484473, gnomAD 0.01%). This missense change has been observed in individual(s) with clinical features of JUP-related conditions (PMID: 27532257, 31983221). ClinVar contains an entry for this variant (Variation ID: 201813). An algorithm developed to predict the effect of missense changes on protein structure and function (PolyPhen-2) suggests that this variant is likely to be disruptive. In summary, the available evidence is currently insufficient to determine the role of this variant in disease. Therefore, it has been classified as a Variant of Uncertain Significance.

Blueprint Genetics
Classification: Likely benign. Last evaluated: 2023-12-04. Review status: criteria provided, single submitter. Criteria: ACMG Guidelines, 2015. Collection method: clinical testing. Allele origin: germline.

GeneDx
Classification: Uncertain significance. Last evaluated: 2023-10-30. Review status: criteria provided, single submitter. Criteria: GeneDx Variant Classification Process June 2021. Collection method: clinical testing. Allele origin: germline. Affected: yes.
Comment: Reported in association with cardiomyopathy; however, specific clinical information was not provided (PMID: 31983221, 27532257); In silico analysis supports that this missense variant has a deleterious effect on protein structure/function; This variant is associated with the following publications: (PMID: 31983221, 27532257, 31402444)

Ambry Genetics
Classification: Likely benign for Cardiovascular phenotype. Last evaluated: 2022-06-10. Review status: criteria provided, single submitter. Criteria: Ambry Variant Classification Scheme 2023. Collection method: clinical testing. Allele origin: germline.

Fulgent Genetics
Classification: Uncertain significance for Naxos disease; Arrhythmogenic right ventricular dysplasia 12. Last evaluated: 2021-08-13. Review status: criteria provided, single submitter. Criteria: ACMG Guidelines, 2015. Collection method: clinical testing. Allele origin: unknown.

PreventionGenetics, part of Exact Sciences
Classification: Uncertain significance for JUP-related condition. Last evaluated: 2024-02-16. Review status: no assertion criteria provided. Collection method: clinical testing. Allele origin: germline. Not counted in ClinVar's aggregate classification.
Comment: The JUP c.529C>T variant is predicted to result in the amino acid substitution p.Arg177Trp. This variant has been reported in one individual with arrhythmogenic right ventricular cardiomyopathy (Table S1A, Walsh et al. 2017. PubMed ID: 27532257) and another individual with dilated cardiomyopathy (Table S3, Mazzarotto et al. 2020. PubMed ID: 31983221). This variant was also reported in a patient with hypertrophic cardiomyopathy and a family history of Wolff-Parkinson-White syndrome who was found to harbor a pathogenic variant in the PRKAG2 gene (Linares et al. 2023. DOI: 10.23937/2643-3966/1710057). This variant is reported in 0.012% of alleles in individuals of European (Non-Finnish) descent in gnomAD. At this time, the clinical significance of this variant is uncertain due to the absence of conclusive functional and genetic evidence.

Literature cited by the submitters: PubMed 27532257 (cited by Labcorp Genetics (formerly Invitae), Labcorp and Ambry Genetics); PubMed 31983221 (cited by Labcorp Genetics (formerly Invitae), Labcorp).